The following is an entry in ClinVar:

NM_020812.4(DOCK6):c.1814C>T (p.Pro605Leu)

Gene: DOCK6 (dedicator of cytokinesis 6; minus strand). Cytogenetic location: 19p13.2.
Variant type: single nucleotide variant.
Coding change: c.1814C>T on transcript NM_020812.4 (MANE Select); coding-DNA position 1814, C replaced by T.
Protein change: p.Pro605Leu; replaces proline 605 with leucine.
Molecular consequence: missense variant.
Genome position (GRCh38, 1-based): chr19:11,238,063, G>A on the plus strand (C>T on the coding strand, the complement: DOCK6 is on the minus strand). VCF-style: chr19-11238063-G-A. GRCh37 (hg19) VCF-style: chr19-11348739-G-A.
Other names: c.1814C>T, p.Pro605Leu (NM_001367830.1); short protein forms P605L.
Identifiers: ClinVar variation 2176316 (VCV002176316.1), dbSNP rs758124796, ClinGen allele CA9207848.

ClinVar aggregate classification (germline): Uncertain significance (1 of 4 stars; one submission).

Allele frequency attached by ClinVar (database versions not stated): ExAC 0.00002; gnomAD 0.00003; TOPMed 0.00003; gnomAD exomes 0.00004.
gnomAD v4.1: 58 of 1,613,684 alleles (0.0036%); highest among the groups gnomAD compares: Middle Eastern, 0.016%; no homozygotes.

Submission:

Labcorp Genetics (formerly Invitae), Labcorp
Classification: Uncertain significance. Last evaluated: 2022-07-14. Review status: criteria provided, single submitter. Criteria: Invitae Variant Classification Sherloc (09022015). Collection method: clinical testing. Allele origin: germline.
Comment: This sequence change replaces proline, which is neutral and non-polar, with leucine, which is neutral and non-polar, at codon 605 of the DOCK6 protein (p.Pro605Leu). This variant is present in population databases (rs758124796, gnomAD 0.006%). This variant has not been reported in the literature in individuals affected with DOCK6-related conditions. Algorithms developed to predict the effect of missense changes on protein structure and function are either unavailable or do not agree on the potential impact of this missense change (SIFT: "Deleterious"; PolyPhen-2: "Benign"; Align-GVGD: "Class C0"). In summary, the available evidence is currently insufficient to determine the role of this variant in disease. Therefore, it has been classified as a Variant of Uncertain Significance.